The following is an entry in ClinVar:

NM_001127222.2(CACNA1A):c.5029A>G (p.Ile1677Val)

Gene: CACNA1A (calcium voltage-gated channel subunit alpha1 A; minus strand). Cytogenetic location: 19p13.13.
Variant type: single nucleotide variant.
Coding change: c.5029A>G on transcript NM_001127222.2 (MANE Select); coding-DNA position 5029, A replaced by G.
Protein change: p.Ile1677Val; replaces isoleucine 1677 with valine.
Molecular consequence: missense variant.
Genome position (GRCh38, 1-based): chr19:13,235,652, T>C on the plus strand (A>G on the coding strand, the complement: CACNA1A is on the minus strand). VCF-style: chr19-13235652-T-C. GRCh37 (hg19) VCF-style: chr19-13346466-T-C.
Other names: c.5047A>G, p.Ile1683Val (NM_000068.4, NM_023035.3); c.5032A>G, p.Ile1678Val (NM_001127221.2); c.5038A>G, p.Ile1680Val (NM_001174080.2); short protein forms I1680V, I1677V, I1678V, I1683V.
Identifiers: ClinVar variation 1524714 (VCV001524714.8), dbSNP rs766623973, ClinGen allele CA9239855.

ClinVar aggregate classification (germline): Uncertain significance (1 of 4 stars; one submission).

Conditions:
Developmental and epileptic encephalopathy, 42 (DEE42A). Also called: Epileptic encephalopathy, early infantile, 42; DEVELOPMENTAL AND EPILEPTIC ENCEPHALOPATHY 42A; EPILEPTIC ENCEPHALOPATHY, EARLY INFANTILE, 42A. Identifiers: MedGen C4310716, MONDO:0014917, OMIM 617106.
Episodic ataxia type 2 (EA2). Also called: ATAXIA, EPISODIC, WITH NYSTAGMUS; ATAXIA, FAMILIAL PAROXYSMAL; CEREBELLAR ATAXIA, PAROXYSMAL, ACETAZOLAMIDE-RESPONSIVE; CEREBELLOPATHY, HEREDITARY PAROXYSMAL; EPISODIC ATAXIA, NYSTAGMUS-ASSOCIATED; ACETAZOLAMIDE-RESPONSIVE HEREDITARY PAROXYSMAL CEREBELLAR ATAXIA. Identifiers: Orphanet 97, MedGen C1720416, MONDO:0007163, OMIM 108500.

Allele frequency attached by ClinVar (database versions not stated): gnomAD exomes below 0.00001; ExAC 0.00001.
gnomAD v4.1: 1 of 1,613,932 alleles (0.000062%); highest among the groups gnomAD compares: East Asian, 0.0022%; no homozygotes.

Submission:

Labcorp Genetics (formerly Invitae), Labcorp
Classification: Uncertain significance for Developmental and epileptic encephalopathy, 42; Episodic ataxia type 2. Last evaluated: 2022-08-23. Review status: criteria provided, single submitter. Criteria: Invitae Variant Classification Sherloc (09022015). Collection method: clinical testing. Allele origin: germline.
Comment: This sequence change replaces isoleucine, which is neutral and non-polar, with valine, which is neutral and non-polar, at codon 1678 of the CACNA1A protein (p.Ile1678Val). This variant is present in population databases (rs766623973, gnomAD 0.006%). This variant has not been reported in the literature in individuals affected with CACNA1A-related conditions. ClinVar contains an entry for this variant (Variation ID: 1524714). Advanced modeling of protein sequence and biophysical properties (such as structural, functional, and spatial information, amino acid conservation, physicochemical variation, residue mobility, and thermodynamic stability) performed at Invitae indicates that this missense variant is expected to disrupt CACNA1A protein function. In summary, the available evidence is currently insufficient to determine the role of this variant in disease. Therefore, it has been classified as a Variant of Uncertain Significance.